The following is an entry in ClinVar:

NM_001194.4(HCN2):c.1088C>T (p.Ala363Val)

Gene: HCN2 (hyperpolarization activated cyclic nucleotide gated potassium and sodium channel 2; plus strand). Cytogenetic location: 19p13.3.
Variant type: single nucleotide variant.
Coding change: c.1088C>T on transcript NM_001194.4 (MANE Select); coding-DNA position 1088, C replaced by T.
Protein change: p.Ala363Val; replaces alanine 363 with valine.
Molecular consequence: missense variant.
Genome position (GRCh38, 1-based): chr19:605,092, C>T. VCF-style: chr19-605092-C-T. GRCh37 (hg19) VCF-style: chr19-605092-C-T.
Other names: c.1088C>T (NM_001194.3); short protein forms A363V.
Identifiers: ClinVar variation 1711727 (VCV001711727.2), dbSNP rs2512450547, ClinGen allele CA402876125.

ClinVar aggregate classification (germline): Conflicting classifications of pathogenicity. Review status: criteria provided, conflicting classifications (1 of 4 stars). 2 submissions from 2 submitters: Pathogenic (1); Uncertain significance (1). Last evaluated 2026-05-27.

Conditions:
HCN2 related developmental and epileptic encephalopathy.
Inborn genetic diseases. Identifiers: MedGen C0950123, MeSH D030342.

Submissions (2):

Ambry Genetics
Classification: Uncertain significance for Inborn genetic diseases. Last evaluated: 2026-05-27. Review status: criteria provided, single submitter. Criteria: Ambry Variant Classification Scheme 2023. Collection method: clinical testing. Allele origin: germline.
Comment: The c.1088C>T (p.A363V) alteration is located in exon 3 (coding exon 3) of the HCN2 gene. This alteration results from a C to T substitution at nucleotide position 1088, causing the alanine (A) at amino acid position 363 to be replaced by a valine (V). This variant was not reported in population-based cohorts in the Genome Aggregation Database (gnomAD). This variant was reported in individual(s) with features consistent with HCN2-related epilepsy; in at least one individual, it was determined to be de novo (Houdayer, 2025). This amino acid position is highly conserved in available vertebrate species. In an assay testing HCN2 function, this variant showed a functionally abnormal result (Houdayer, 2025). This alteration is predicted to be deleterious by in silico analysis. Based on insufficient or conflicting evidence, the clinical significance of this alteration remains unclear.

Department of Genetics, CHU d'Angers
Classification: Pathogenic for HCN2 related developmental and epileptic encephalopathy. Review status: criteria provided, single submitter. Criteria: ACMG Guidelines, 2015. Collection method: clinical testing. Allele origin: de novo. Affected: yes.

Literature cited by the submitters: PubMed 40468825 (cited by Ambry Genetics).